The following is an entry in ClinVar:

NM_017841.4(SDHAF2):c.-9G>C

Gene: SDHAF2 (succinate dehydrogenase complex assembly factor 2; plus strand). Cytogenetic location: 11q12.2.
Variant type: single nucleotide variant.
Coding change: c.-9G>C on transcript NM_017841.4 (MANE Select); 9 bases upstream of the start codon, G replaced by C.
Molecular consequence: 5 prime UTR variant.
Genome position (GRCh38, 1-based): chr11:61,430,138, G>C. VCF-style: chr11-61430138-G-C. GRCh37 (hg19) VCF-style: chr11-61197610-G-C.
Identifiers: ClinVar variation 4756384 (VCV004756384.1).

ClinVar aggregate classification (germline): Uncertain significance (1 of 4 stars; one submission).

Conditions:
Hereditary pheochromocytoma and paraganglioma. Also called: Hereditary Paraganglioma-Pheochromocytoma Syndromes; Hereditary paragangliomas and pheochromocytomas; Hereditary pheochromocytoma-paraganglioma. Identifiers: Orphanet 29072, MedGen C4274332, MONDO:0017366.

Submission:

Color Diagnostics, LLC DBA Color Health
Classification: Uncertain significance for Hereditary pheochromocytoma and paraganglioma. Last evaluated: 2025-09-18. Review status: criteria provided, single submitter. Criteria: ACMG Guidelines, 2015. Collection method: clinical testing. Allele origin: germline.
Comment: This variant is located in the 5' untranslated region of the SDHAF2 gene. To our knowledge, functional studies have not been reported for this variant. This variant has not been reported in individuals affected with SDHAF2-related disorders in the literature. This variant has not been identified in the general population by the Genome Aggregation Database (gnomAD). The available evidence is insufficient to determine the role of this variant in disease conclusively. Therefore, this variant is classified as a Variant of Uncertain Significance.